The following is an entry in ClinVar:

ClinVar aggregate classification (germline): Uncertain significance (1 of 4 stars; one submission).

Submission:

Women's Health and Genetics/Laboratory Corporation of America, LabCorp
Classification: Uncertain significance. Last evaluated: 2022-10-13. Review status: criteria provided, single submitter. Criteria: LabCorp Variant Classification Summary - May 2015. Collection method: clinical testing. Allele origin: germline.
Comment: Variant summary: CASP14 c.397C>T (p.Arg133X) results in a premature termination codon, predicted to cause a truncation of the encoded protein or absence of the protein due to nonsense mediated decay. The variant allele was found at a frequency of 3.6e-05 in 249594 control chromosomes (gnomAD). The available data on variant occurrences in the general population are insufficient to allow any conclusion about variant significance. To our knowledge, no occurrence of c.397C>T in individuals affected with Lamellar Ichthyosis and no experimental evidence demonstrating its impact on protein function have been reported. No clinical diagnostic laboratories have submitted clinical-significance assessments for this variant to ClinVar after 2014. To the best of our knowledge, there has only been one variant in the CASP14 reported in the literature thus far in association with ichthyosis (c.462_463delCA, p.Asp154GlufsX27) (PMID 27494380). However, this variant is also found in one homozygote and at a frequency of 0.0035 within the Latino subpopulation in the gnomAD database (v3.1 genomes dataset), and has been classified as VUS by our laboratory (Variation ID: 375306). Based on the evidence outlined above, c.397C>T (p.Arg133X) was classified as uncertain significance until additional evidence of clinical and/or functional importance become available for this variant and/or gene.

NM_012114.3(CASP14):c.397C>T (p.Arg133Ter)

Gene: CASP14 (caspase 14; plus strand). Cytogenetic location: 19p13.12.
Variant type: single nucleotide variant.
Coding change: c.397C>T on transcript NM_012114.3 (MANE Select); coding-DNA position 397, C replaced by T.
Protein change: p.Arg133Ter; replaces arginine 133 with a stop codon.
Molecular consequence: nonsense.
Genome position (GRCh38, 1-based): chr19:15,053,952, C>T. VCF-style: chr19-15053952-C-T. GRCh37 (hg19) VCF-style: chr19-15164763-C-T.
Other names: short protein forms R133*.
Identifiers: ClinVar variation 1723314 (VCV001723314.1), dbSNP rs757185628, ClinGen allele CA9260705.